The following is an entry in ClinVar:

ClinVar aggregate classification (germline): Uncertain significance (1 of 4 stars; one submission).

Allele frequency attached by ClinVar (database versions not stated): TOPMed 0.00003; ExAC 0.00050.

Submission:

Labcorp Genetics (formerly Invitae), Labcorp
Classification: Uncertain significance. Last evaluated: 2022-09-13. Review status: criteria provided, single submitter. Criteria: Invitae Variant Classification Sherloc (09022015). Collection method: clinical testing. Allele origin: germline.
Comment: The frequency data for this variant in the population databases is considered unreliable, as metrics indicate poor data quality at this position in the gnomAD database. This sequence change replaces alanine, which is neutral and non-polar, with serine, which is neutral and polar, at codon 73 of the GPR143 protein (p.Ala73Ser). In summary, the available evidence is currently insufficient to determine the role of this variant in disease. Therefore, it has been classified as a Variant of Uncertain Significance. Advanced modeling of protein sequence and biophysical properties (such as structural, functional, and spatial information, amino acid conservation, physicochemical variation, residue mobility, and thermodynamic stability) performed at Invitae indicates that this missense variant is not expected to disrupt GPR143 protein function. This variant has not been reported in the literature in individuals affected with GPR143-related conditions.

NM_000273.3(GPR143):c.217G>T (p.Ala73Ser)

Gene: GPR143 (G protein-coupled receptor 143; minus strand). Cytogenetic location: Xp22.2.
Variant type: single nucleotide variant.
Coding change: c.217G>T on transcript NM_000273.3 (MANE Select); coding-DNA position 217, G replaced by T.
Protein change: p.Ala73Ser; replaces alanine 73 with serine.
Molecular consequence: missense variant.
Genome position (GRCh38, 1-based): chrX:9,765,601, C>A on the plus strand (G>T on the coding strand, the complement: GPR143 is on the minus strand). VCF-style: chrX-9765601-C-A. GRCh37 (hg19) VCF-style: chrX-9733641-C-A.
Other names: short protein forms A73S.
Identifiers: ClinVar variation 2037440 (VCV002037440.4), dbSNP rs762032647, ClinGen allele CA10345086.